The following is an entry in ClinVar:

NM_001791.4(CDC42):c.486+5G>A

Gene: CDC42 (cell division cycle 42; plus strand). Cytogenetic location: 1p36.12.
Variant type: single nucleotide variant.
Coding change: c.486+5G>A on transcript NM_001791.4 (MANE Select); 5 bases into the intron after coding-DNA position 486, G replaced by A.
Molecular consequence: intron variant.
Genome position (GRCh38, 1-based): chr1:22,086,871, G>A. VCF-style: chr1-22086871-G-A. GRCh37 (hg19) VCF-style: chr1-22413364-G-A.
Other names: c.486+5G>A (NM_001039802.2, NM_044472.3).
Identifiers: ClinVar variation 1486276 (VCV001486276.6), dbSNP rs1645666304, ClinGen allele CA1158242414.

ClinVar aggregate classification (germline): Uncertain significance (1 of 4 stars; one submission).

Allele frequency attached by ClinVar (database versions not stated): gnomAD exomes below 0.00001.
gnomAD v4.1: 1 of 1,611,066 alleles (0.000062%); highest among the groups gnomAD compares: Non-Finnish European, 0.000085%; no homozygotes.

Submission:

Labcorp Genetics (formerly Invitae), Labcorp
Classification: Uncertain significance. Last evaluated: 2022-06-22. Review status: criteria provided, single submitter. Criteria: Invitae Variant Classification Sherloc (09022015). Collection method: clinical testing. Allele origin: germline.
Comment: In summary, the available evidence is currently insufficient to determine the role of this variant in disease. Therefore, it has been classified as a Variant of Uncertain Significance. Variants that disrupt the consensus splice site are a relatively common cause of aberrant splicing (PMID: 17576681, 9536098). Algorithms developed to predict the effect of sequence changes on RNA splicing suggest that this variant may create or strengthen a splice site. This variant has not been reported in the literature in individuals affected with CDC42-related conditions. This variant is not present in population databases (gnomAD no frequency). This sequence change falls in intron 5 of the CDC42 gene. It does not directly change the encoded amino acid sequence of the CDC42 protein. It affects a nucleotide within the consensus splice site.

Literature cited by the submitters: PubMed 17576681; PubMed 9536098.